The following is an entry in ClinVar:

ClinVar aggregate classification (germline): Conflicting classifications of pathogenicity. Review status: criteria provided, conflicting classifications (1 of 4 stars). 2 submissions from 2 submitters: Uncertain significance (1); Likely benign (1). Last evaluated 2022-07-12.

Conditions:
Cyclical neutropenia. Also called: Cyclic Neutropenia; Cyclic hematopoiesis. Identifiers: Orphanet 2686, MedGen C0221023, MONDO:0008090, OMIM 162800, HP:0040289. Disease mechanism: loss of function.
Neutropenia, severe congenital, 1, autosomal dominant. Identifiers: MedGen C1859966, MONDO:0042490, OMIM 202700.

Allele frequency attached by ClinVar (database versions not stated): gnomAD exomes below 0.00001; ExAC 0.00001.
gnomAD v4.1: 1 of 1,613,088 alleles (0.000062%); highest among the groups gnomAD compares: South Asian, 0.0011%; no homozygotes.

Submissions (2):

Labcorp Genetics (formerly Invitae), Labcorp
Classification: Likely benign for Neutropenia, severe congenital, 1, autosomal dominant; Cyclical neutropenia. Last evaluated: 2022-07-12. Review status: criteria provided, single submitter. Criteria: Invitae Variant Classification Sherloc (09022015). Collection method: clinical testing. Allele origin: germline.

CeGaT Center for Human Genetics Tuebingen
Classification: Uncertain significance. Last evaluated: 2022-03-01. Review status: criteria provided, single submitter. Criteria: CeGaT Center For Human Genetics Tuebingen Variant Classification Criteria Version 2. Collection method: clinical testing. Allele origin: germline. Affected: yes. Observed: 1 variant allele.
Comment: ELANE: PM2, BP4

NM_001972.4(ELANE):c.598-8C>T

Gene: ELANE (elastase, neutrophil expressed; plus strand). Cytogenetic location: 19p13.3.
Variant type: single nucleotide variant.
Coding change: c.598-8C>T on transcript NM_001972.4 (MANE Select); 8 bases into the intron before coding-DNA position 598, C replaced by T.
Molecular consequence: intron variant.
Genome position (GRCh38, 1-based): chr19:855,950, C>T. VCF-style: chr19-855950-C-T. GRCh37 (hg19) VCF-style: chr19-855950-C-T.
Identifiers: ClinVar variation 1529689 (VCV001529689.39), dbSNP rs778083470, ClinGen allele CA9026118.